The following is an entry in ClinVar:

NM_001267550.2(TTN):c.49395C>T (p.Asp16465=)

Genes: TTN (titin; minus strand), TTN-AS1 (TTN antisense RNA 1; plus strand). Cytogenetic location: 2q31.2.
Variant type: single nucleotide variant.
Coding change: c.49395C>T on transcript NM_001267550.2 (MANE Select); coding-DNA position 49395, C replaced by T.
Protein change: p.Asp16465=; no amino-acid change (aspartic acid 16465 retained).
Molecular consequence: synonymous variant.
Genome position (GRCh38, 1-based): chr2:178,613,888, G>A on the plus strand (C>T on the coding strand, the complement: TTN is on the minus strand). VCF-style: chr2-178613888-G-A. GRCh37 (hg19) VCF-style: chr2-179478615-G-A.
Other names: c.44472C>T, p.Asp14824= (NM_001256850.1); c.22200C>T, p.Asp7400= (NM_003319.4); c.41691C>T, p.Asp13897= (NM_133378.4); c.22575C>T, p.Asp7525= (NM_133432.3); c.22776C>T, p.Asp7592= (NM_133437.4).
Identifiers: ClinVar variation 263747 (VCV000263747.38), dbSNP rs749308557, ClinGen allele CA1994607.

ClinVar aggregate classification (germline): Conflicting classifications of pathogenicity. Review status: criteria provided, conflicting classifications (1 of 4 stars). 12 submissions from 8 submitters: Uncertain significance (4); Likely benign (8). Last evaluated 2026-09-01.

Conditions:
Cardiovascular phenotype. Identifiers: MedGen CN230736.
Dilated cardiomyopathy 1G (CMD1G). Identifiers: Orphanet 154, MedGen C1858763, MONDO:0011400, OMIM 604145.
Autosomal recessive limb-girdle muscular dystrophy type 2J (LGMDR10). Also called: MUSCULAR DYSTROPHY, LIMB-GIRDLE, AUTOSOMAL RECESSIVE 10; Limb-girdle muscular dystrophy, type 2J. Identifiers: Orphanet 140922, MedGen C1837342, MONDO:0012127, OMIM 608807.
Tibial muscular dystrophy (TMD). Also called: Udd Distal Myopathy – Tibial Muscular Dystrophy; UDD MYOPATHY; Tibial muscular dystrophy, tardive. Identifiers: Orphanet 609, MedGen C1838244, MONDO:0010870, OMIM 600334.
Early-onset myopathy with fatal cardiomyopathy (CMYO5). Also called: CONGENITAL MYOPATHY 5 WITH CARDIOMYOPATHY; Salih Myopathy. Identifiers: Orphanet 289377, MedGen C2673677, MONDO:0012714, OMIM 611705. Disease mechanism: loss of function.
Myopathy, myofibrillar, 9, with early respiratory failure (MFM9). Also called: EDSTROM MYOPATHY; Hereditary myopathy with early respiratory failure; MYOPATHY, PROXIMAL, WITH EARLY RESPIRATORY MUSCLE INVOLVEMENT; Myopathy, distal, with early respiratory failure, autosomal dominant. Identifiers: Orphanet 178464, Orphanet 34521, MedGen C1863599, MONDO:0011362, OMIM 603689.

Allele frequency attached by ClinVar (database versions not stated): TOPMed 0.00002; gnomAD 0.00003; ExAC 0.00004; gnomAD exomes 0.00005.
gnomAD v4.1: 83 of 1,610,652 alleles (0.0052%); highest among the groups gnomAD compares: Middle Eastern, 0.033%; no homozygotes.

Submissions (12):

CeGaT Center for Human Genetics Tuebingen
Classification: Likely benign. Last evaluated: 2026-09-01. Review status: criteria provided, single submitter. Criteria: CeGaT Center For Human Genetics Tuebingen Variant Classification Criteria Version 2. Collection method: clinical testing. Allele origin: germline. Affected: yes. Observed: 3 variant alleles.
Comment: TTN: BP4, BP7

Women's Health and Genetics/Laboratory Corporation of America, LabCorp
Classification: Likely benign. Last evaluated: 2026-06-12. Review status: criteria provided, single submitter. Criteria: LabCorp Variant Classification Summary - May 2015. Collection method: clinical testing. Allele origin: germline.

Labcorp Genetics (formerly Invitae), Labcorp
Classification: Likely benign for Dilated cardiomyopathy 1G; Autosomal recessive limb-girdle muscular dystrophy type 2J. Last evaluated: 2026-01-14. Review status: criteria provided, single submitter. Criteria: Invitae Variant Classification Sherloc (09022015). Collection method: clinical testing. Allele origin: germline.

Blueprint Genetics
Classification: Likely benign. Last evaluated: 2024-07-22. Review status: criteria provided, single submitter. Criteria: ACMG Guidelines, 2015. Collection method: clinical testing. Allele origin: germline.

GeneDx
Classification: Likely benign. Last evaluated: 2018-11-05. Review status: criteria provided, single submitter. Criteria: GeneDx Variant Classification Process June 2021. Collection method: clinical testing. Allele origin: germline. Affected: yes.

Illumina Laboratory Services, Illumina
Classification: Likely benign for Myopathy, myofibrillar, 9, with early respiratory failure. Last evaluated: 2018-01-13. Review status: criteria provided, single submitter. Criteria: ICSL Variant Classification Criteria 13 December 2019. Collection method: clinical testing. Allele origin: germline.
Comment: This variant was observed in the ICSL laboratory as part of a predisposition screen in an ostensibly healthy population. It had not been previously curated by ICSL or reported in the Human Gene Mutation Database (HGMD: prior to June 1st, 2018), and was therefore a candidate for classification through an automated scoring system. Utilizing variant allele frequency, disease prevalence and penetrance estimates, and inheritance mode, an automated score was calculated to assess if this variant is too frequent to cause the disease. Based on the score and internal cut-off values, a variant classified as likely benign is not then subjected to further curation. The score for this variant resulted in a classification of likely benign for this disease.

Illumina Laboratory Services, Illumina
Classification: Uncertain significance for Dilated cardiomyopathy 1G. Last evaluated: 2018-01-13. Review status: criteria provided, single submitter. Criteria: ICSL Variant Classification Criteria 13 December 2019. Collection method: clinical testing. Allele origin: germline.

Illumina Laboratory Services, Illumina
Classification: Uncertain significance for Autosomal recessive limb-girdle muscular dystrophy type 2J. Last evaluated: 2018-01-13. Review status: criteria provided, single submitter. Criteria: ICSL Variant Classification Criteria 13 December 2019. Collection method: clinical testing. Allele origin: germline.

Illumina Laboratory Services, Illumina
Classification: Uncertain significance for Early-onset myopathy with fatal cardiomyopathy. Last evaluated: 2018-01-13. Review status: criteria provided, single submitter. Criteria: ICSL Variant Classification Criteria 13 December 2019. Collection method: clinical testing. Allele origin: germline.

Illumina Laboratory Services, Illumina
Classification: Likely benign for Tibial muscular dystrophy. Last evaluated: 2018-01-13. Review status: criteria provided, single submitter. Criteria: ICSL Variant Classification Criteria 13 December 2019. Collection method: clinical testing. Allele origin: germline.
Comment: the same text as in the submission from Illumina Laboratory Services, Illumina above.

Eurofins Ntd Llc (ga)
Classification: Uncertain significance. Last evaluated: 2017-01-11. Review status: criteria provided, single submitter. Criteria: EGL Classification Definitions 2015. Collection method: clinical testing. Allele origin: germline. Observed: 1 variant allele, 1 heterozygote.

Ambry Genetics
Classification: Likely benign for Cardiovascular phenotype. Last evaluated: 2013-10-18. Review status: criteria provided, single submitter. Criteria: Ambry Autosomal Dominant and X-Linked criteria (10/2015). Collection method: clinical testing. Allele origin: germline. Observed: 1 variant allele.